The following is an entry in ClinVar:

ClinVar aggregate classification (germline): Uncertain significance (1 of 4 stars; one submission).

Conditions:
Inborn genetic diseases. Identifiers: MedGen C0950123, MeSH D030342.

Submission:

Ambry Genetics
Classification: Uncertain significance for Inborn genetic diseases. Last evaluated: 2022-07-19. Review status: criteria provided, single submitter. Criteria: Ambry Variant Classification Scheme 2023. Collection method: clinical testing. Allele origin: germline.
Comment: The p.R2089P variant (also known as c.6266G>C), located in coding exon 37 of the ATR gene, results from a G to C substitution at nucleotide position 6266. The arginine at codon 2089 is replaced by proline, an amino acid with dissimilar properties. This amino acid position is conserved. In addition, this alteration is predicted to be deleterious by in silico analysis. Since supporting evidence is limited at this time, the clinical significance of this alteration remains unclear.

NM_001184.4(ATR):c.6266G>C (p.Arg2089Pro)

Gene: ATR (ATR checkpoint kinase; minus strand). Cytogenetic location: 3q23.
Variant type: single nucleotide variant.
Coding change: c.6266G>C on transcript NM_001184.4 (MANE Select); coding-DNA position 6266, G replaced by C.
Protein change: p.Arg2089Pro; replaces arginine 2089 with proline.
Molecular consequence: missense variant.
Genome position (GRCh38, 1-based): chr3:142,470,139, C>G on the plus strand (G>C on the coding strand, the complement: ATR is on the minus strand). VCF-style: chr3-142470139-C-G. GRCh37 (hg19) VCF-style: chr3-142188981-C-G.
Other names: c.6074G>C, p.Arg2025Pro (NM_001354579.2); short protein forms R2025P, R2089P.
Identifiers: ClinVar variation 1752516 (VCV001752516.2), dbSNP rs1032148842, ClinGen allele CA354805804.
Genomic context (GRCh38, chr3:142,470,139, plus strand): 5'-GTTATACCTTTTTCCCATTCATATGCCTTTGTACCATAATCAAGCCATAGAGTTAACATT[C>G]GTGGCATTGACTGATATATGAACTGATTTCCATATTGTAGAGATCTGCAATTATATAGAC-3'
Protein context (NP_001175.2, residues 2079-2099): GNQFIYQSMP[Arg2089Pro]MLTLWLDYGT